The following is an entry in ClinVar:

ClinVar aggregate classification (germline): Uncertain significance (1 of 4 stars; one submission).

Conditions:
Cardiovascular phenotype. Identifiers: MedGen CN230736.

gnomAD v4.1: 1 of 1,613,700 alleles (0.000062%); highest among the groups gnomAD compares: Non-Finnish European, 0.000085%; no homozygotes.

Submission:

Ambry Genetics
Classification: Uncertain significance for Cardiovascular phenotype. Last evaluated: 2024-04-12. Review status: criteria provided, single submitter. Criteria: Ambry Variant Classification Scheme 2023. Collection method: clinical testing. Allele origin: germline.
Comment: The p.P1974L variant (also known as c.5921C>T), located in coding exon 16 of the TNXB gene, results from a C to T substitution at nucleotide position 5921. The proline at codon 1974 is replaced by leucine, an amino acid with similar properties. This amino acid position is conserved. In addition, this alteration is predicted to be tolerated by in silico analysis. Based on the available evidence, the clinical significance of this variant remains unclear.

NM_001365276.2(TNXB):c.5921C>T (p.Pro1974Leu)

Gene: TNXB (tenascin XB; minus strand). Cytogenetic location: 6p21.33.
Variant type: single nucleotide variant.
Coding change: c.5921C>T on transcript NM_001365276.2 (MANE Select); coding-DNA position 5921, C replaced by T.
Protein change: p.Pro1974Leu; replaces proline 1974 with leucine.
Molecular consequence: missense variant.
Genome position (GRCh38, 1-based): chr6:32,068,689, G>A on the plus strand (C>T on the coding strand, the complement: TNXB is on the minus strand). VCF-style: chr6-32068689-G-A. GRCh37 (hg19) VCF-style: chr6-32036466-G-A.
Other names: c.5921C>T, p.Pro1974Leu (NM_019105.8); short protein forms P1974L.
Identifiers: ClinVar variation 3327885 (VCV003327885.1).